The following is an entry in ClinVar:

NC_000005.10:g.112707443A>T

Gene: APC (APC regulator of Wnt signaling pathway; plus strand). Cytogenetic location: 5q22.2.
Variant type: single nucleotide variant.
Genome position: GRCh38 VCF-style: chr5-112707443-A-T. GRCh37 (hg19) VCF-style: chr5-112043140-A-T.
Identifiers: ClinVar variation 537578 (VCV000537578.11), dbSNP rs911239343, ClinGen allele CA658796596.

ClinVar aggregate classification (germline): Uncertain significance (1 of 4 stars; one submission).

Conditions:
Familial adenomatous polyposis 1 (FAP1). Also called: FAMILIAL ADENOMATOUS POLYPOSIS 1, ATTENUATED; POLYPOSIS, ADENOMATOUS INTESTINAL. Identifiers: MedGen C2713442, MONDO:0021056, OMIM 175100. Disease mechanism: loss of function.

Submission:

Labcorp Genetics (formerly Invitae), Labcorp
Classification: Uncertain significance for Familial adenomatous polyposis 1. Last evaluated: 2026-01-14. Review status: criteria provided, single submitter. Criteria: Invitae Variant Classification Sherloc (09022015). Collection method: clinical testing. Allele origin: germline.
Comment: This variant occurs in a non-coding region of the APC gene. It does not change the encoded amino acid sequence of the APC protein. This variant is not present in population databases (gnomAD no frequency). This variant has not been reported in the literature in individuals affected with APC-related conditions. ClinVar contains an entry for this variant (Variation ID: 537578). Experimental studies and prediction algorithms are not available or were not evaluated, and the functional significance of this variant is currently unknown. In summary, the available evidence is currently insufficient to determine the role of this variant in disease. Therefore, it has been classified as a Variant of Uncertain Significance.